The following is an entry in ClinVar:

ClinVar aggregate classification (germline): Conflicting classifications of pathogenicity. Review status: criteria provided, conflicting classifications (1 of 4 stars). 2 submissions from 2 submitters: Uncertain significance (1); Likely benign (1). Last evaluated 2026-03-31.

Conditions:
MCM2-related disorder. Also called: MCM2-related condition.

Allele frequency attached by ClinVar (database versions not stated): ExAC 0.00010; TOPMed 0.00014; 1000 Genomes Project 30x 0.00016; gnomAD 0.00019; 1000 Genomes Project 0.00020; ESP Exome Variant Server 0.00023.
gnomAD v4.1: 37 of 1,611,202 alleles (0.0023%); highest among the groups gnomAD compares: African/African-American, 0.048%; no homozygotes.

Submissions (2):

PreventionGenetics, part of Exact Sciences
Classification: Likely benign for MCM2-related condition. Last evaluated: 2026-03-31. Review status: criteria provided, single submitter. Criteria: ACMG Guidelines, 2015. Collection method: clinical testing. Allele origin: germline.
Comment: This variant is classified as likely benign based on ACMG/AMP sequence variant interpretation guidelines (Richards et al. 2015 PMID: 25741868, with internal and published modifications).

Ambry Genetics
Classification: Uncertain significance. Last evaluated: 2025-10-14. Review status: criteria provided, single submitter. Criteria: Ambry Variant Classification Scheme 2023. Collection method: clinical testing. Allele origin: germline.

NM_004526.4(MCM2):c.423G>C (p.Glu141Asp)

Gene: MCM2 (minichromosome maintenance complex component 2; plus strand). Cytogenetic location: 3q21.3.
Variant type: single nucleotide variant.
Coding change: c.423G>C on transcript NM_004526.4 (MANE Select); coding-DNA position 423, G replaced by C.
Protein change: p.Glu141Asp; replaces glutamic acid 141 with aspartic acid.
Molecular consequence: missense variant. On other transcripts: non-coding transcript variant (1).
Genome position (GRCh38, 1-based): chr3:127,604,906, G>C. VCF-style: chr3-127604906-G-C. GRCh37 (hg19) VCF-style: chr3-127323749-G-C.
Other names: c.423G>C (NM_004526.3); short protein forms E141D.
Identifiers: ClinVar variation 3124305 (VCV003124305.3), dbSNP rs145141037, ClinGen allele CA2595580.